The following is an entry in ClinVar:

NM_032656.4(DHX37):c.515A>T (p.Glu172Val)

Gene: DHX37 (DEAH-box helicase 37; minus strand). Cytogenetic location: 12q24.31.
Variant type: single nucleotide variant.
Coding change: c.515A>T on transcript NM_032656.4 (MANE Select); coding-DNA position 515, A replaced by T.
Protein change: p.Glu172Val; replaces glutamic acid 172 with valine.
Molecular consequence: missense variant.
Genome position (GRCh38, 1-based): chr12:124,980,713, T>A on the plus strand (A>T on the coding strand, the complement: DHX37 is on the minus strand). VCF-style: chr12-124980713-T-A. GRCh37 (hg19) VCF-style: chr12-125465259-T-A.
Other names: short protein forms E172V.
Identifiers: ClinVar variation 2191577 (VCV002191577.4), dbSNP rs754242132, ClinGen allele CA6872424.

ClinVar aggregate classification (germline): Uncertain significance (1 of 4 stars; one submission).

Allele frequency attached by ClinVar (database versions not stated): gnomAD exomes 0.00001; TOPMed 0.00002; ExAC 0.00003.
gnomAD v4.1: 6 of 1,565,124 alleles (0.00038%); highest among the groups gnomAD compares: Admixed American, 0.011%; no homozygotes.

Submission:

Labcorp Genetics (formerly Invitae), Labcorp
Classification: Uncertain significance. Last evaluated: 2022-09-23. Review status: criteria provided, single submitter. Criteria: Invitae Variant Classification Sherloc (09022015). Collection method: clinical testing. Allele origin: germline.
Comment: This variant has not been reported in the literature in individuals affected with DHX37-related conditions. In summary, the available evidence is currently insufficient to determine the role of this variant in disease. Therefore, it has been classified as a Variant of Uncertain Significance. Algorithms developed to predict the effect of missense changes on protein structure and function are either unavailable or do not agree on the potential impact of this missense change (SIFT: "Deleterious"; PolyPhen-2: "Possibly Damaging"; Align-GVGD: "Class C0"). This variant is present in population databases (rs754242132, gnomAD 0.02%). This sequence change replaces glutamic acid, which is acidic and polar, with valine, which is neutral and non-polar, at codon 172 of the DHX37 protein (p.Glu172Val).